The following is an entry in ClinVar:

NM_000553.6(WRN):c.1825C>T (p.Leu609Phe)

Gene: WRN (WRN RecQ like helicase; plus strand). Cytogenetic location: 8p12.
Variant type: single nucleotide variant.
Coding change: c.1825C>T on transcript NM_000553.6 (MANE Select); coding-DNA position 1825, C replaced by T.
Protein change: p.Leu609Phe; replaces leucine 609 with phenylalanine.
Molecular consequence: missense variant.
Genome position (GRCh38, 1-based): chr8:31,090,938, C>T. VCF-style: chr8-31090938-C-T. GRCh37 (hg19) VCF-style: chr8-30948454-C-T.
Other names: short protein forms L609F.
Identifiers: ClinVar variation 943672 (VCV000943672.6), dbSNP rs1813725361, ClinGen allele CA370928244.

ClinVar aggregate classification (germline): Uncertain significance (1 of 4 stars; one submission).

Conditions:
Werner syndrome (WRN). Identifiers: Orphanet 902, MedGen C0043119, MONDO:0010196, OMIM 277700.

Submission:

Labcorp Genetics (formerly Invitae), Labcorp
Classification: Uncertain significance for Werner syndrome. Last evaluated: 2023-01-30. Review status: criteria provided, single submitter. Criteria: Invitae Variant Classification Sherloc (09022015). Collection method: clinical testing. Allele origin: germline.
Comment: In summary, the available evidence is currently insufficient to determine the role of this variant in disease. Therefore, it has been classified as a Variant of Uncertain Significance. An algorithm developed to predict the effect of missense changes on protein structure and function (PolyPhen-2) suggests that this variant is likely to be disruptive. ClinVar contains an entry for this variant (Variation ID: 943672). This variant has not been reported in the literature in individuals affected with WRN-related conditions. This variant is not present in population databases (gnomAD no frequency). This sequence change replaces leucine, which is neutral and non-polar, with phenylalanine, which is neutral and non-polar, at codon 609 of the WRN protein (p.Leu609Phe).